The following is an entry in ClinVar:

ClinVar aggregate classification (germline): Likely benign. Review status: criteria provided, multiple submitters, no conflicts (2 of 4 stars). 2 submissions from 2 submitters: Likely benign (2). Last evaluated 2023-12-01.

Conditions:
Cardiomyopathy (CMYO). Also called: Cardiomyopathies. Identifiers: Orphanet 167848, MedGen C0878544, MONDO:0004994, HP:0001638. Inheritance: Various modes of inheritance.
Hypertrophic cardiomyopathy. Also called: HYPERTROPHIC MYOCARDIOPATHY. Identifiers: Orphanet 217569, MedGen C0007194, MeSH D002312, MONDO:0005045, HP:0001639.

Submissions (2):

All of Us Research Program, National Institutes of Health
Classification: Likely benign for Hypertrophic cardiomyopathy. Last evaluated: 2023-12-01. Review status: criteria provided, single submitter. Criteria: ACMG Guidelines, 2015. Collection method: clinical testing. Allele origin: germline. Inheritance: Autosomal dominant inheritance. Observed: 1 variant allele, 1 heterozygote.
Comment: This study involves interpretation of variants in research participants for the purpose of population health screening. Participant phenotype was not available at the time of variant classification. Additional details can be found in publication PMID: 35346344, PMCID: PMC8962531

Color Diagnostics, LLC DBA Color Health
Classification: Likely benign for Cardiomyopathy. Last evaluated: 2020-03-23. Review status: criteria provided, single submitter. Criteria: ACMG Guidelines, 2015. Collection method: clinical testing. Allele origin: germline.

NM_000256.3(MYBPC3):c.1809T>C (p.Ile603=)

Gene: MYBPC3 (myosin binding protein C3; minus strand). Cytogenetic location: 11p11.2.
Variant type: single nucleotide variant.
Coding change: c.1809T>C on transcript NM_000256.3 (MANE Select); coding-DNA position 1809, T replaced by C.
Protein change: p.Ile603=; no amino-acid change (isoleucine 603 retained).
Molecular consequence: synonymous variant.
Genome position (GRCh38, 1-based): chr11:47,341,226, A>G on the plus strand (T>C on the coding strand, the complement: MYBPC3 is on the minus strand). VCF-style: chr11-47341226-A-G. GRCh37 (hg19) VCF-style: chr11-47362777-A-G.
Identifiers: ClinVar variation 926505 (VCV000926505.3), dbSNP rs774348756, ClinGen allele CA474218239.
Genomic context (GRCh38, chr11:47,341,226, plus strand): 5'-GCAGGCGAAGCCCTCGGGCACAAAGCTGTAGTCAGCCTCGTCGGCAGGTGTGACGTCGTC[A>G]ATGGTCAGTTTGTGGACCCTGCAGGGGAGCAGTGGCTCAGGGGACCCCACTGGGCCACAC-3'
Protein context (NP_000247.2, residues 593-613): SHIGRVHKLT[Ile603=]DDVTPADEAD